The following is an entry in ClinVar:

ClinVar aggregate classification (germline): Uncertain significance. Review status: criteria provided, multiple submitters, no conflicts (2 of 4 stars). 3 submissions from 3 submitters: Uncertain significance (3). Last evaluated 2025-09-05.

Conditions:
Pigmentary pallidal degeneration (NBIA1). Also called: Neurodegeneration with brain iron accumulation 1; Pantothenate Kinase-Associated Neurodegeneration; Neuroaxonal dystrophy, late infantile; Hallervorden-Spatz disease; PKAN NEUROAXONAL DYSTROPHY, JUVENILE-ONSET; HARP SYNDROME. Identifiers: Orphanet 157850, MedGen C0018523, MONDO:0009319, OMIM 234200.
Inborn genetic diseases. Identifiers: MedGen C0950123, MeSH D030342.

Allele frequency attached by ClinVar (database versions not stated): gnomAD exomes below 0.00001 and 0.00001; ExAC 0.00001.
gnomAD v4.1: 3 of 1,614,166 alleles (0.00019%); highest among the groups gnomAD compares: South Asian, 0.0011%; no homozygotes.

Submissions (3):

Ambry Genetics
Classification: Uncertain significance for Inborn genetic diseases. Last evaluated: 2025-09-05. Review status: criteria provided, single submitter. Criteria: Ambry Variant Classification Scheme 2023. Collection method: clinical testing. Allele origin: germline.

GeneDx
Classification: Uncertain significance. Last evaluated: 2023-02-02. Review status: criteria provided, single submitter. Criteria: GeneDx Variant Classification Process June 2021. Collection method: clinical testing. Allele origin: germline. Affected: yes.
Comment: Has not been previously published as pathogenic or benign to our knowledge; Not observed at significant frequency in large population cohorts (gnomAD); In silico analysis supports that this missense variant has a deleterious effect on protein structure/function; This variant is associated with the following publications: (PMID: 23634310, 20551478, 24712887)

Labcorp Genetics (formerly Invitae), Labcorp
Classification: Uncertain significance for Pigmentary pallidal degeneration. Last evaluated: 2022-06-04. Review status: criteria provided, single submitter. Criteria: Invitae Variant Classification Sherloc (09022015). Collection method: clinical testing. Allele origin: germline.
Comment: This sequence change replaces asparagine, which is neutral and polar, with lysine, which is basic and polar, at codon 404 of the PANK2 protein (p.Asn404Lys). This variant is present in population databases (rs758080048, gnomAD 0.003%). This variant has not been reported in the literature in individuals affected with PANK2-related conditions. ClinVar contains an entry for this variant (Variation ID: 1464014). Algorithms developed to predict the effect of missense changes on protein structure and function are either unavailable or do not agree on the potential impact of this missense change (SIFT: "Deleterious"; PolyPhen-2: "Benign"; Align-GVGD: "Class C0"). This variant disrupts the p.Asn404 amino acid residue in PANK2. Other variant(s) that disrupt this residue have been determined to be pathogenic (PMID: 23634310, 24712887; Invitae). This suggests that this residue is clinically significant, and that variants that disrupt this residue are likely to be disease-causing. In summary, the available evidence is currently insufficient to determine the role of this variant in disease. Therefore, it has been classified as a Variant of Uncertain Significance.

Literature cited by the submitters: PubMed 23634310 (cited by Labcorp Genetics (formerly Invitae), Labcorp); PubMed 24712887 (cited by Labcorp Genetics (formerly Invitae), Labcorp).

NM_001386393.1(PANK2):c.882T>G (p.Asn294Lys)

Gene: PANK2 (pantothenate kinase 2; plus strand). Cytogenetic location: 20p13.
Variant type: single nucleotide variant.
Coding change: c.882T>G on transcript NM_001386393.1 (MANE Select); coding-DNA position 882, T replaced by G.
Protein change: p.Asn294Lys; replaces asparagine 294 with lysine.
Molecular consequence: missense variant. On other transcripts: 5 prime UTR variant (1), non-coding transcript variant (1).
Genome position (GRCh38, 1-based): chr20:3,910,807, T>G. VCF-style: chr20-3910807-T-G. GRCh37 (hg19) VCF-style: chr20-3891454-T-G.
Other names: c.1212T>G (NM_153638.2); c.339T>G, p.Asn113Lys (NM_001324191.2, NM_024960.6, NM_153640.4); c.-97T>G (NM_001324193.2); c.1212T>G, p.Asn404Lys (NM_153638.4); short protein forms N404K, N113K, N294K.
Identifiers: ClinVar variation 1464014 (VCV001464014.10), dbSNP rs758080048, ClinGen allele CA9750786.